The following is an entry in ClinVar:

NM_017827.4(SARS2):c.607C>T (p.Arg203Trp)

Gene: SARS2 (seryl-tRNA synthetase 2, mitochondrial; minus strand). Cytogenetic location: 19q13.2.
Variant type: single nucleotide variant.
Coding change: c.607C>T on transcript NM_017827.4 (MANE Select); coding-DNA position 607, C replaced by T.
Protein change: p.Arg203Trp; replaces arginine 203 with tryptophan.
Molecular consequence: missense variant.
Genome position (GRCh38, 1-based): chr19:38,920,132, G>A on the plus strand (C>T on the coding strand, the complement: SARS2 is on the minus strand). VCF-style: chr19-38920132-G-A. GRCh37 (hg19) VCF-style: chr19-39410772-G-A.
Other names: c.613C>T, p.Arg205Trp (NM_001145901.2); short protein forms R203W, R205W.
Identifiers: ClinVar variation 4873262 (VCV004873262.2).
Genomic context (GRCh38, chr19:38,920,132, plus strand): 5'-GGGGAGGGGCTCACTTCTGACGGATGATGTCGAGTTTCTCGCCAATTTCCAGGTGGCCCC[G>A]AGGTTGGAAGGAGAAAACTGGATGTGGGTGAAAAGCACCGGTGTAAGGCAGCGGGGAGAG-3'
Protein context (NP_060297.1, residues 193-213): GDKPVFSFQP[Arg203Trp]GHLEIGEKLD

ClinVar aggregate classification (germline): Uncertain significance (1 of 4 stars; one submission).

gnomAD v4.1: 55 of 1,560,850 alleles (0.0035%); highest among the groups gnomAD compares: Middle Eastern, 0.017%; no homozygotes.

Submission:

CeGaT Center for Human Genetics Tuebingen
Classification: Uncertain significance. Last evaluated: 2026-06-01. Review status: criteria provided, single submitter. Criteria: CeGaT Center For Human Genetics Tuebingen Variant Classification Criteria Version 2. Collection method: clinical testing. Allele origin: germline. Affected: yes. Observed: 1 variant allele.
Comment: SARS2: PM2